The following is an entry in ClinVar:

NM_000384.3(APOB):c.2060del (p.Leu687fs)

Gene: APOB (apolipoprotein B; minus strand). Cytogenetic location: 2p24.1.
Variant type: Deletion.
Coding change: c.2060del on transcript NM_000384.3 (MANE Select); coding-DNA position 2060, one base deleted (T; older notation c.2060delT).
Protein change: p.Leu687fs; shifts the reading frame from leucine 687.
Molecular consequence: frameshift variant.
Genome position (GRCh38, 1-based): chr2:21,027,835, A deleted on the plus strand (T on the coding strand, the reverse complement: APOB is on the minus strand). VCF-style (leftmost placement, unchanged base first): chr2-21027834-GA-G. GRCh37 (hg19) VCF-style: chr2-21250706-GA-G.
Other names: short protein forms L687fs.
Identifiers: ClinVar variation 959104 (VCV000959104.10), dbSNP rs1663772190, ClinGen allele CA1139655601.

ClinVar aggregate classification (germline): Pathogenic (1 of 4 stars; one submission).

Conditions:
Familial hypobetalipoproteinemia 1. Also called: APOB-Related Familial Hypobetalipoproteinemia; Hypobetalipoproteinemia, normotriglyceridemic; Acanthocytosis with hypobetalipoproteinemia. Identifiers: MedGen C4551990, MONDO:0014252, OMIM 615558.
Hypercholesterolemia, autosomal dominant, type B (FHCL2). Also called: Familial Hypercholesterolemia Type B; APOLIPOPROTEIN B-100, FAMILIAL DEFECTIVE; APOLIPOPROTEIN B-100, FAMILIAL LIGAND-DEFECTIVE; APOB-Related Familial Hypercholesterolemia, Autosomal Dominant; Familial hypercholesterolemia 2; Hyperlipoproteinemia Type IIb. Identifiers: MedGen C1704417, MONDO:0007751, OMIM 144010.

Submission:

Labcorp Genetics (formerly Invitae), Labcorp
Classification: Pathogenic for Familial hypobetalipoproteinemia 1; Hypercholesterolemia, autosomal dominant, type B. Last evaluated: 2020-02-11. Review status: criteria provided, single submitter. Criteria: Invitae Variant Classification Sherloc (09022015). Collection method: clinical testing. Allele origin: germline.
Comment: This variant has not been reported in the literature in individuals with APOB-related conditions. This sequence change creates a premature translational stop signal (p.Leu687Profs*48) in the APOB gene. It is expected to result in an absent or disrupted protein product. This variant is not present in population databases (ExAC no frequency). Loss-of-function variants in APOB are known to be pathogenic (PMID: 20032471). For these reasons, this variant has been classified as Pathogenic.

Literature cited by the submitters: PubMed 20032471.